The following is an entry in ClinVar:

NM_018684.4(ZC4H2):c.57C>G (p.Asn19Lys)

Gene: ZC4H2 (zinc finger C4H2-type containing; minus strand). Cytogenetic location: Xq11.2.
Variant type: single nucleotide variant.
Coding change: c.57C>G on transcript NM_018684.4 (MANE Select); coding-DNA position 57, C replaced by G.
Protein change: p.Asn19Lys; replaces asparagine 19 with lysine.
Molecular consequence: missense variant. On other transcripts: 5 prime UTR variant (2), non-coding transcript variant (1).
Genome position (GRCh38, 1-based): chrX:64,921,985, G>C on the plus strand (C>G on the coding strand, the complement: ZC4H2 is on the minus strand). VCF-style: chrX-64921985-G-C. GRCh37 (hg19) VCF-style: chrX-64141865-G-C.
Other names: c.-13C>G (NM_001178032.3, NM_001243804.2); c.57C>G, p.Asn19Lys (NM_001178033.3); short protein forms N19K.
Identifiers: ClinVar variation 2759815 (VCV002759815.3), dbSNP rs1271668857, ClinGen allele CA413412479.

ClinVar aggregate classification (germline): Uncertain significance (1 of 4 stars; one submission).

Submission:

Labcorp Genetics (formerly Invitae), Labcorp
Classification: Uncertain significance. Last evaluated: 2023-09-10. Review status: criteria provided, single submitter. Criteria: Invitae Variant Classification Sherloc (09022015). Collection method: clinical testing. Allele origin: germline.
Comment: In summary, the available evidence is currently insufficient to determine the role of this variant in disease. Therefore, it has been classified as a Variant of Uncertain Significance. An algorithm developed to predict the effect of missense changes on protein structure and function (PolyPhen-2) suggests that this variant is likely to be tolerated. This variant has not been reported in the literature in individuals affected with ZC4H2-related conditions. This variant is not present in population databases (gnomAD no frequency). This sequence change replaces asparagine, which is neutral and polar, with lysine, which is basic and polar, at codon 19 of the ZC4H2 protein (p.Asn19Lys).